The following is an entry in ClinVar:

ClinVar aggregate classification (germline): Pathogenic (1 of 4 stars; one submission).

Conditions:
Deficiency of alpha-mannosidase (MANSA). Also called: Mannosidosis, alpha-, types I and II; Alpha-Mannosidosis; LYSOSOMAL ALPHA-D-MANNOSIDASE DEFICIENCY. Identifiers: Orphanet 61, MedGen C0024748, MONDO:0009561, OMIM 248500.

Submission:

Labcorp Genetics (formerly Invitae), Labcorp
Classification: Pathogenic for Deficiency of alpha-mannosidase. Last evaluated: 2021-10-09. Review status: criteria provided, single submitter. Criteria: Invitae Variant Classification Sherloc (09022015). Collection method: clinical testing. Allele origin: germline.
Comment: This sequence change creates a premature translational stop signal (p.Ala883Leufs*41) in the MAN2B1 gene. It is expected to result in an absent or disrupted protein product. Loss-of-function variants in MAN2B1 are known to be pathogenic (PMID: 9915946, 22161967). The frequency data for this variant in the population databases is considered unreliable, as metrics indicate insufficient coverage at this position in the ExAC database. This variant has not been reported in the literature in individuals affected with MAN2B1-related conditions. For these reasons, this variant has been classified as Pathogenic.

Literature cited by the submitters: PubMed 9915946; PubMed 22161967.

NM_000528.4(MAN2B1):c.2647del (p.Ala883fs)

Gene: MAN2B1 (mannosidase alpha class 2B member 1; minus strand). Cytogenetic location: 19p13.13.
Variant type: Deletion.
Coding change: c.2647del on transcript NM_000528.4 (MANE Select); coding-DNA position 2647, one base deleted (G; older notation c.2647delG).
Protein change: p.Ala883fs; shifts the reading frame from alanine 883.
Molecular consequence: frameshift variant.
Genome position (GRCh38, 1-based): chr19:12,648,192, C deleted on the plus strand (G on the coding strand, the reverse complement: MAN2B1 is on the minus strand); the first of 4 consecutive C bases (chr19:12,648,192-12,648,195); deleting any one gives the same sequence. VCF-style (leftmost placement, unchanged base first): chr19-12648191-GC-G. GRCh37 (hg19) VCF-style: chr19-12759005-GC-G.
Other names: c.2644del, p.Ala882fs (NM_001173498.2); short protein forms A882fs, A883fs.
Identifiers: ClinVar variation 1399644 (VCV001399644.6), dbSNP rs2145224416, ClinGen allele CA2573156059.